The following is an entry in ClinVar:

ClinVar aggregate classification (germline): Uncertain significance. Review status: criteria provided, single submitter (1 of 4 stars). 2 submissions from 2 submitters: Uncertain significance (1). 1 of the submissions does not count toward it. Last evaluated 2017-05-25.

Conditions:
Alstrom syndrome (ALMS). Identifiers: Orphanet 64, MedGen C0268425, MONDO:0008763, OMIM 203800.

Submissions (2):

GeneDx
Classification: Uncertain significance. Last evaluated: 2017-05-25. Review status: criteria provided, single submitter. Criteria: GeneDx Variant Classification (06012015). Collection method: clinical testing. Allele origin: germline. Affected: yes.
Comment: The G1670V variant of uncertain significance in the ALMS1 gene has not been published as pathogenic or been reported as benign to our knowledge. This variant is not observed in large population cohorts (Lek et al., 2016; 1000 Genomes Consortium et al., 2015; Exome Variant Server). However, the G1670V variant is a conservative amino acid substitution, which is not likely to impact secondary protein structure as these residues share similar properties. This substitution occurs at a position that is not conserved across species, and valine is the wild-type amino acid at this position in at least two species. Furthermore, 2/3 in silico algorithms predict this variant likely does not alter the protein structure/function.

Natera, Inc.
Classification: Uncertain significance for Alstrom syndrome. Last evaluated: 2025-04-30. Review status: no assertion criteria provided. Collection method: clinical testing. Allele origin: germline. Not counted in ClinVar's aggregate classification.

NM_001378454.1(ALMS1):c.5006G>T (p.Gly1669Val)

Gene: ALMS1 (ALMS1 centrosome and basal body associated protein; plus strand). Cytogenetic location: 2p13.1.
Variant type: single nucleotide variant.
Coding change: c.5006G>T on transcript NM_001378454.1 (MANE Select); coding-DNA position 5006, G replaced by T.
Protein change: p.Gly1669Val; replaces glycine 1669 with valine.
Molecular consequence: missense variant.
Genome position (GRCh38, 1-based): chr2:73,451,533, G>T. VCF-style: chr2-73451533-G-T. GRCh37 (hg19) VCF-style: chr2-73678660-G-T.
Other names: c.5009G>T, p.Gly1670Val (NM_015120.4); short protein forms G1670V, G1669V.
Identifiers: ClinVar variation 432406 (VCV000432406.3), dbSNP rs267599447, ClinGen allele CA347279718.
Genomic context (GRCh38, chr2:73,451,533, plus strand): 5'-GACCAGCTGACCAGAAGACTGAGACATTACCAGTACATTCTACTAGCTACTCAAATAGGG[G>T]GAAGCCTGTCATTTTCTACCAGCAGACCCTATCAGACAGTCATTTACCTGAAGAAGCTCT-3'
Protein context (NP_001365383.1, residues 1659-1679): PVHSTSYSNR[Gly1669Val]KPVIFYQQTL